The following is an entry in ClinVar:

NM_000135.4(FANCA):c.1702G>A (p.Val568Ile)

Gene: FANCA (FA complementation group A; minus strand). Cytogenetic location: 16q24.3.
Variant type: single nucleotide variant.
Coding change: c.1702G>A on transcript NM_000135.4 (MANE Select); coding-DNA position 1702, G replaced by A.
Protein change: p.Val568Ile; replaces valine 568 with isoleucine.
Molecular consequence: missense variant.
Genome position (GRCh38, 1-based): chr16:89,779,882, C>T on the plus strand (G>A on the coding strand, the complement: FANCA is on the minus strand). VCF-style: chr16-89779882-C-T. GRCh37 (hg19) VCF-style: chr16-89846290-C-T.
Other names: c.1702G>A, p.Val568Ile (NM_001286167.3); short protein forms V568I.
Identifiers: ClinVar variation 844823 (VCV000844823.5), dbSNP rs778754162, ClinGen allele CA8252161.

ClinVar aggregate classification (germline): Uncertain significance. Review status: criteria provided, multiple submitters, no conflicts (2 of 4 stars). 3 submissions from 3 submitters: Uncertain significance (2). 1 of the submissions does not count toward it. Last evaluated 2022-03-18.

Conditions:
Fanconi anemia (FA). Also called: Fanconi's anemia. Identifiers: Orphanet 84, MedGen C0015625, MeSH D005199, MONDO:0019391.
Fanconi anemia complementation group A (FANCA). Also called: Fanconi anemia, group A; FANCA-Related Fanconi Anemia. Identifiers: Orphanet 84, MedGen C3469521, MONDO:0009215, OMIM 227650.

Allele frequency attached by ClinVar (database versions not stated): ExAC 0.00002; gnomAD 0.00002; TOPMed 0.00002.
gnomAD v4.1: 29 of 1,613,700 alleles (0.0018%); highest among the groups gnomAD compares: Middle Eastern, 0.017%; no homozygotes.

Submissions (3):

Labcorp Genetics (formerly Invitae), Labcorp
Classification: Uncertain significance for Fanconi anemia. Last evaluated: 2022-03-18. Review status: criteria provided, single submitter. Criteria: Invitae Variant Classification Sherloc (09022015). Collection method: clinical testing. Allele origin: germline.
Comment: This sequence change replaces valine, which is neutral and non-polar, with isoleucine, which is neutral and non-polar, at codon 568 of the FANCA protein (p.Val568Ile). This variant is present in population databases (rs778754162, gnomAD 0.003%). This variant has not been reported in the literature in individuals affected with FANCA-related conditions. ClinVar contains an entry for this variant (Variation ID: 844823). Advanced modeling of protein sequence and biophysical properties (such as structural, functional, and spatial information, amino acid conservation, physicochemical variation, residue mobility, and thermodynamic stability) performed at Invitae indicates that this missense variant is not expected to disrupt FANCA protein function. In summary, the available evidence is currently insufficient to determine the role of this variant in disease. Therefore, it has been classified as a Variant of Uncertain Significance.

Fulgent Genetics
Classification: Uncertain significance for Fanconi anemia complementation group A. Last evaluated: 2021-09-21. Review status: criteria provided, single submitter. Criteria: ACMG Guidelines, 2015. Collection method: clinical testing. Allele origin: unknown.

Natera, Inc.
Classification: Uncertain significance for Fanconi anemia, group A. Last evaluated: 2020-09-16. Review status: no assertion criteria provided. Collection method: clinical testing. Allele origin: germline. Not counted in ClinVar's aggregate classification.